The following is an entry in ClinVar:

NM_004360.5(CDH1):c.1447G>T (p.Ala483Ser)

Gene: CDH1 (cadherin 1; plus strand). Cytogenetic location: 16q22.1.
Variant type: single nucleotide variant.
Coding change: c.1447G>T on transcript NM_004360.5 (MANE Select); coding-DNA position 1447, G replaced by T.
Protein change: p.Ala483Ser; replaces alanine 483 with serine.
Molecular consequence: missense variant. On other transcripts: 5 prime UTR variant (2).
Genome position (GRCh38, 1-based): chr16:68,815,641, G>T. VCF-style: chr16-68815641-G-T. GRCh37 (hg19) VCF-style: chr16-68849544-G-T.
Other names: c.1264G>T, p.Ala422Ser (NM_001317184.2); c.-102G>T (NM_001317185.2); c.-373G>T (NM_001317186.2); short protein forms A422S, A483S.
Identifiers: ClinVar variation 4223610 (VCV004223610.1).

ClinVar aggregate classification (germline): Uncertain significance (1 of 4 stars; one submission).

Conditions:
Hereditary cancer-predisposing syndrome. Also called: Hereditary Cancer Syndrome; Hereditary neoplastic syndrome; Neoplastic Syndromes, Hereditary; Tumor predisposition. Identifiers: Orphanet 140162, MedGen C0027672, MeSH D009386, MONDO:0015356.

Submission:

Ambry Genetics
Classification: Uncertain significance for Hereditary cancer-predisposing syndrome. Last evaluated: 2025-08-15. Review status: criteria provided, single submitter. Criteria: Ambry Variant Classification Scheme 2023. Collection method: clinical testing. Allele origin: germline.
Comment: The p.A483S variant (also known as c.1447G>T), located in coding exon 10 of the CDH1 gene, results from a G to T substitution at nucleotide position 1447. The alanine at codon 483 is replaced by serine, an amino acid with similar properties. This amino acid position is well conserved in available vertebrate species. In addition, this alteration is predicted to be tolerated by in silico analysis. Based on the available evidence, the clinical significance of this variant remains unclear.

Literature cited by the submitters: PubMed 36509094.